The following is an entry in ClinVar:

NM_007254.4(PNKP):c.1303G>A (p.Val435Ile)

Gene: PNKP (polynucleotide kinase 3'-phosphatase; minus strand). Cytogenetic location: 19q13.33.
Variant type: single nucleotide variant.
Coding change: c.1303G>A on transcript NM_007254.4 (MANE Select); coding-DNA position 1303, G replaced by A.
Protein change: p.Val435Ile; replaces valine 435 with isoleucine.
Molecular consequence: missense variant.
Genome position (GRCh38, 1-based): chr19:49,861,691, C>T on the plus strand (G>A on the coding strand, the complement: PNKP is on the minus strand). VCF-style: chr19-49861691-C-T. GRCh37 (hg19) VCF-style: chr19-50364948-C-T.
Other names: short protein forms V435I.
Identifiers: ClinVar variation 1021599 (VCV001021599.9), dbSNP rs1568658756, ClinGen allele CA406933293.
Genomic context (GRCh38, chr19:49,861,691, plus strand): 5'-CCAGAGTGGCGGTGAAGAGGAAGCAGCGGCAGGGGACGCCCGCGGCTCGGGCACACTGGA[C>T]GTACCTGTGGGGGAAGGAGCTGGATGTGCAGGCCCCGCCCACCCCGCCGCAGGCCACCTA-3'
Protein context (NP_009185.2, residues 425-445): NPDAASRARY[Val435Ile]QCARAAGVPC

ClinVar aggregate classification (germline): Uncertain significance (1 of 4 stars; one submission).

Conditions:
Developmental and epileptic encephalopathy, 12 (DEE12). Identifiers: MedGen C3150988, MONDO:0013389, OMIM 613722.

Allele frequency attached by ClinVar (database versions not stated): gnomAD 0.00001.

Submission:

Labcorp Genetics (formerly Invitae), Labcorp
Classification: Uncertain significance for Developmental and epileptic encephalopathy, 12. Last evaluated: 2020-06-25. Review status: criteria provided, single submitter. Criteria: Invitae Variant Classification Sherloc (09022015). Collection method: clinical testing. Allele origin: germline.
Comment: Algorithms developed to predict the effect of missense changes on protein structure and function output the following: SIFT: "Tolerated"; PolyPhen-2: "Benign"; Align-GVGD: "Class C0". The isoleucine amino acid residue is found in multiple mammalian species, suggesting that this missense change does not adversely affect protein function. These predictions have not been confirmed by published functional studies and their clinical significance is uncertain. In summary, the available evidence is currently insufficient to determine the role of this variant in disease. Therefore, it has been classified as a Variant of Uncertain Significance. This sequence change replaces valine with isoleucine at codon 435 of the PNKP protein (p.Val435Ile). The valine residue is weakly conserved and there is a small physicochemical difference between valine and isoleucine. This variant is not present in population databases (ExAC no frequency). This variant has not been reported in the literature in individuals with PNKP-related conditions.